The following is an entry in ClinVar:

ClinVar aggregate classification (germline): Pathogenic (1 of 4 stars; one submission).

Conditions:
Multiple congenital exostosis (EXT). Also called: Hereditary multiple exostoses; Hereditary multiple exostosis; Hereditary multiple osteochondromas; MULTIPLE CARTILAGINOUS EXOSTOSES; Multiple exostoses; Multiple osteochondromas. Identifiers: Orphanet 321, MedGen C0015306, MONDO:0005508, HP:0002762.

Submission:

Labcorp Genetics (formerly Invitae), Labcorp
Classification: Pathogenic for Multiple congenital exostosis. Last evaluated: 2024-01-04. Review status: criteria provided, single submitter. Criteria: Invitae Variant Classification Sherloc (09022015). Collection method: clinical testing. Allele origin: germline.
Comment: This variant is a gross deletion of the genomic region encompassing exon(s) 9 of the EXT1 gene. This deletion is out-of-frame, and is expected to create a premature termination codon and result in an absent or disrupted protein product. Loss-of-function variants in EXT1 are known to be pathogenic (PMID: 10679937, 11391482, 19810120). A similar copy number variant has been observed in individual(s) with multiple osteochondromas (Invitae). For these reasons, this variant has been classified as Pathogenic.

Literature cited by the submitters: PubMed 10679937; PubMed 11391482; PubMed 19810120.

NC_000008.11:g.(?_117807197)_(117807397_?)del

Gene: EXT1 (exostosin glycosyltransferase 1; minus strand). Cytogenetic location: 8q24.11.
Variant type: Deletion.
Identifiers: ClinVar variation 832787 (VCV000832787.7).